The following is an entry in ClinVar:

ClinVar aggregate classification (germline): Pathogenic (1 of 4 stars; one submission).

Allele frequency attached by ClinVar (database versions not stated): gnomAD exomes below 0.00001; gnomAD 0.00001; TOPMed 0.00002.
gnomAD v4.1: 2 of 1,614,076 alleles (0.00012%); highest among the groups gnomAD compares: African/African-American, 0.0027%; no homozygotes.

Submission:

Labcorp Genetics (formerly Invitae), Labcorp
Classification: Pathogenic. Last evaluated: 2023-05-11. Review status: criteria provided, single submitter. Criteria: Invitae Variant Classification Sherloc (09022015). Collection method: clinical testing. Allele origin: germline.
Comment: This variant is not present in population databases (gnomAD no frequency). This sequence change creates a premature translational stop signal (p.Gln118*) in the BSND gene. It is expected to result in an absent or disrupted protein product. Loss-of-function variants in BSND are known to be pathogenic (PMID: 11687798). This variant has not been reported in the literature in individuals affected with BSND-related conditions. For these reasons, this variant has been classified as Pathogenic. ClinVar contains an entry for this variant (Variation ID: 1075014).

Literature cited by the submitters: PubMed 11687798.

NM_057176.3(BSND):c.352C>T (p.Gln118Ter)

Gene: BSND (barttin CLCNK type accessory subunit beta; plus strand). Cytogenetic location: 1p32.3.
Variant type: single nucleotide variant.
Coding change: c.352C>T on transcript NM_057176.3 (MANE Select); coding-DNA position 352, C replaced by T.
Protein change: p.Gln118Ter; replaces glutamine 118 with a stop codon.
Molecular consequence: nonsense.
Genome position (GRCh38, 1-based): chr1:55,007,076, C>T. VCF-style: chr1-55007076-C-T. GRCh37 (hg19) VCF-style: chr1-55472749-C-T.
Other names: short protein forms Q118*.
Identifiers: ClinVar variation 1075014 (VCV001075014.7), dbSNP rs1267623393, ClinGen allele CA340475040.